The following is an entry in ClinVar:

ClinVar aggregate classification (germline): Likely benign. Review status: criteria provided, multiple submitters, no conflicts (2 of 4 stars). 5 submissions from 5 submitters: Likely benign (5). Last evaluated 2026-01-13.

Conditions:
Neuronal ceroid lipofuscinosis. Also called: Neuronal Ceroid Lipofuscinoses. Identifiers: Orphanet 216, Orphanet 79263, MedGen C0027877, MONDO:0016295. Disease mechanism: loss of function.
Inborn genetic diseases. Identifiers: MedGen C0950123, MeSH D030342.

Allele frequency attached by ClinVar (database versions not stated): ExAC 0.00002; gnomAD 0.00004; gnomAD exomes 0.00004; TOPMed 0.00009.
gnomAD v4.1: 36 of 1,614,006 alleles (0.0022%); highest among the groups gnomAD compares: Middle Eastern, 0.016%; no homozygotes.

Submissions (5):

Labcorp Genetics (formerly Invitae), Labcorp
Classification: Likely benign for Neuronal ceroid lipofuscinosis. Last evaluated: 2026-01-13. Review status: criteria provided, single submitter. Criteria: Invitae Variant Classification Sherloc (09022015). Collection method: clinical testing. Allele origin: germline.

Blueprint Genetics
Classification: Likely benign. Last evaluated: 2024-05-30. Review status: criteria provided, single submitter. Criteria: ACMG Guidelines, 2015. Collection method: clinical testing. Allele origin: germline.

Ambry Genetics
Classification: Likely benign for Inborn genetic diseases. Last evaluated: 2018-04-11. Review status: criteria provided, single submitter. Criteria: Ambry Variant Classification Scheme 2023. Collection method: clinical testing. Allele origin: germline.

GeneDx
Classification: Likely benign. Last evaluated: 2016-10-28. Review status: criteria provided, single submitter. Criteria: GeneDx Variant Classification (06012015). Collection method: clinical testing. Allele origin: germline. Affected: yes.
Comment: This variant is considered likely benign or benign based on one or more of the following criteria: it is a conservative change, it occurs at a poorly conserved position in the protein, it is predicted to be benign by multiple in silico algorithms, and/or has population frequency not consistent with disease.

Breakthrough Genomics
Classification: Likely benign. Review status: criteria provided, single submitter. Criteria: ACMG Guidelines, 2015. Collection method: not provided. Allele origin: germline. Inheritance: Autosomal recessive inheritance. Affected: yes.

NM_001909.5(CTSD):c.393C>T (p.Tyr131=)

Gene: CTSD (cathepsin D; minus strand). Cytogenetic location: 11p15.5.
Variant type: single nucleotide variant.
Coding change: c.393C>T on transcript NM_001909.5 (MANE Select); coding-DNA position 393, C replaced by T.
Protein change: p.Tyr131=; no amino-acid change (tyrosine 131 retained).
Molecular consequence: synonymous variant.
Genome position (GRCh38, 1-based): chr11:1,759,047, G>A on the plus strand (C>T on the coding strand, the complement: CTSD is on the minus strand). VCF-style: chr11-1759047-G-A. GRCh37 (hg19) VCF-style: chr11-1780277-G-A.
Identifiers: ClinVar variation 377759 (VCV000377759.15), dbSNP rs776128996, ClinGen allele CA5814187.